The following is an entry in ClinVar:

ClinVar aggregate classification (germline): Conflicting classifications of pathogenicity. Review status: criteria provided, conflicting classifications (1 of 4 stars). 6 submissions from 6 submitters: Likely pathogenic (4); Uncertain significance (1). 1 of the submissions does not count toward it. Last evaluated 2025-07-25.

Conditions:
Wilson disease (WND). Also called: Wilson's disease. Identifiers: Orphanet 905, MedGen C0019202, MONDO:0010200, OMIM 277900. Disease mechanism: loss of function.

Allele frequency attached by ClinVar (database versions not stated): gnomAD 0.00001; gnomAD exomes 0.00001; TOPMed 0.00001.
gnomAD v4.1: 12 of 1,614,132 alleles (0.00074%); highest among the groups gnomAD compares: African/African-American, 0.0013%; no homozygotes.

Submissions (6):

Natera, Inc.
Classification: Likely pathogenic for Wilson disease. Last evaluated: 2025-07-25. Review status: criteria provided, single submitter. Criteria: Natera Variant Classification Schema (03/2026). Collection method: clinical testing. Allele origin: germline.
Comment: The c.3842G>A variant in ATP7B is a missense variant predicted to cause substitution of glycine to aspartic acid at amino acid 1281. This variant is rare in the general population with a frequency below the threshold expected for the associated phenotype(s). This variant has been observed in one or more individuals affected with the associated recessive disease, as either homozygous or compound heterozygous with a second variant (PMID: 17272994, 35220961). Computational prediction algorithms indicate this variant is likely to affect gene or protein function. Given the available evidence, this variant is classified as Likely Pathogenic.

All of Us Research Program, National Institutes of Health
Classification: Likely pathogenic for Wilson disease. Last evaluated: 2024-09-27. Review status: criteria provided, single submitter. Criteria: ACMG Guidelines, 2015. Collection method: clinical testing. Allele origin: germline. Inheritance: Autosomal recessive inheritance. Observed: 5 variant alleles, 5 heterozygotes.
Comment: This missense variant replaces glycine with aspartic acid at codon 1281 of the ATP7B protein. Computational prediction suggests that this variant may have deleterious impact on protein structure and function (internally defined REVEL score threshold >= 0.7, PMID: 27666373). Although functional studies have not been reported for this variant, it alters a conserved glycine residue in the phosphorylation domain of the ATP7B protein, which plays an important role in ATP7B protein function (PMID: 35245129; ClinVar). This variant has been reported in at least seven individuals affected with Wilson Disease (PMID: 17272994, 22484412, 22677543, 34400371, 32808274, 35782615; DOI: 10.2174/1876517300901010001; ClinVar SCV001500599.11), including one individual who was confirmed to carry another pathogenic variant in trans (PMID: 17272994) and two individuals who carried another pathogenic variant in unknown phase (PMID: 32808274; ClinVar SCV001500599.11). This variant has been identified in 2/249564 chromosomes in the general population by the Genome Aggregation Database (gnomAD). Based on the available evidence, this variant is classified as Likely Pathogenic.

This study involves interpretation of variants in research participants for the purpose of population health screening. Participant phenotype was not available at the time of variant classification. Additional details can be found in publication PMID: 35346344, PMCID: PMC8962531

Fulgent Genetics
Classification: Likely pathogenic for Wilson disease. Last evaluated: 2024-01-10. Review status: criteria provided, single submitter. Criteria: ACMG Guidelines, 2015. Collection method: clinical testing. Allele origin: germline.

Genome-Nilou Lab
Classification: Uncertain significance for Wilson disease. Last evaluated: 2021-08-10. Review status: criteria provided, single submitter. Criteria: ACMG Guidelines, 2015. Collection method: clinical testing. Allele origin: germline. Affected: no.

CeGaT Center for Human Genetics Tuebingen
Classification: Likely pathogenic. Last evaluated: 2020-11-01. Review status: criteria provided, single submitter. Criteria: CeGaT Center For Human Genetics Tuebingen Variant Classification Criteria Version 2. Collection method: clinical testing. Allele origin: germline. Affected: yes. Observed: 1 variant allele.

Counsyl
Classification: Uncertain significance for Wilson disease. Last evaluated: 2017-01-05. Review status: no assertion criteria provided. Collection method: clinical testing. Allele origin: unknown. Not counted in ClinVar's aggregate classification.

Literature cited by the submitters: PubMed 17272994 (cited by 3 submitters); PubMed 35220961 (cited by Natera, Inc.); PubMed 22484412 (cited by All of Us Research Program, National Institutes of Health and Counsyl); PubMed 22677543 (cited by All of Us Research Program, National Institutes of Health and Counsyl); PubMed 32808274 (cited by All of Us Research Program, National Institutes of Health); PubMed 34400371 (cited by All of Us Research Program, National Institutes of Health); PubMed 35245129 (cited by All of Us Research Program, National Institutes of Health); PubMed 35782615 (cited by All of Us Research Program, National Institutes of Health); PubMed 24253677 (cited by Counsyl); PubMed 22692182 (cited by Counsyl).

NM_000053.4(ATP7B):c.3842G>A (p.Gly1281Asp)

Gene: ATP7B (ATPase copper transporting beta; minus strand). Cytogenetic location: 13q14.3.
Variant type: single nucleotide variant.
Coding change: c.3842G>A on transcript NM_000053.4 (MANE Select); coding-DNA position 3842, G replaced by A.
Protein change: p.Gly1281Asp; replaces glycine 1281 with aspartic acid.
Molecular consequence: missense variant.
Genome position (GRCh38, 1-based): chr13:51,937,537, C>T on the plus strand (G>A on the coding strand, the complement: ATP7B is on the minus strand). VCF-style: chr13-51937537-C-T. GRCh37 (hg19) VCF-style: chr13-52511673-C-T.
Other names: c.3221G>A, p.Gly1074Asp (NM_001005918.3); c.3509G>A, p.Gly1170Asp (NM_001243182.2); c.3608G>A, p.Gly1203Asp (NM_001330578.2); c.3590G>A, p.Gly1197Asp (NM_001330579.2); short protein forms G1281D, G1203D, G1074D, G1170D, G1197D.
Identifiers: ClinVar variation 550301 (VCV000550301.46), dbSNP rs755202606, ClinGen allele CA388021725.
Genomic context (GRCh38, chr13:51,937,537, plus strand): 5'-CTGATAAGGACGACGTCGGCTGCCTCGATGGCCACATCCGTGCCGGTGCCAATGGCCACA[C>T]CCATGTCTGCCTGGGCCAAGGCCGGGGAGTCATTGACCCCATCCCCCACCATGGCGACTT-3'
Protein context (NP_000044.2, residues 1271-1291): DSPALAQADM[Gly1281Asp]VAIGTGTDVA